The following is an entry in ClinVar:

NM_018163.3(DNAJC17):c.209C>T (p.Ala70Val)

Gene: DNAJC17 (DnaJ heat shock protein family (Hsp40) member C17; minus strand). Cytogenetic location: 15q15.1.
Variant type: single nucleotide variant.
Coding change: c.209C>T on transcript NM_018163.3 (MANE Select); coding-DNA position 209, C replaced by T.
Protein change: p.Ala70Val; replaces alanine 70 with valine.
Molecular consequence: missense variant.
Genome position (GRCh38, 1-based): chr15:40,779,309, G>A on the plus strand (C>T on the coding strand, the complement: DNAJC17 is on the minus strand). VCF-style: chr15-40779309-G-A. GRCh37 (hg19) VCF-style: chr15-41071507-G-A.
Other names: short protein forms A70V.
Identifiers: ClinVar variation 1472358 (VCV001472358.6), dbSNP rs779428930, ClinGen allele CA7485252.

ClinVar aggregate classification (germline): Uncertain significance (1 of 4 stars; one submission).

Allele frequency attached by ClinVar (database versions not stated): gnomAD 0.00001; TOPMed 0.00001.
gnomAD v4.1: 11 of 1,613,870 alleles (0.00068%); highest among the groups gnomAD compares: Admixed American, 0.015%; no homozygotes.

Submission:

Labcorp Genetics (formerly Invitae), Labcorp
Classification: Uncertain significance. Last evaluated: 2023-02-16. Review status: criteria provided, single submitter. Criteria: Invitae Variant Classification Sherloc (09022015). Collection method: clinical testing. Allele origin: germline.
Comment: In summary, the available evidence is currently insufficient to determine the role of this variant in disease. Therefore, it has been classified as a Variant of Uncertain Significance. This sequence change replaces alanine, which is neutral and non-polar, with valine, which is neutral and non-polar, at codon 70 of the DNAJC17 protein (p.Ala70Val). This variant is present in population databases (rs779428930, gnomAD 0.02%). This variant has not been reported in the literature in individuals affected with DNAJC17-related conditions. ClinVar contains an entry for this variant (Variation ID: 1472358). An algorithm developed to predict the effect of missense changes on protein structure and function (PolyPhen-2) suggests that this variant is likely to be disruptive.